The following is an entry in ClinVar:

ClinVar aggregate classification (germline): Likely pathogenic (1 of 4 stars; one submission).

Conditions:
Hereditary breast ovarian cancer syndrome. Also called: Hereditary breast and ovarian cancer syndrome; Hereditary breast and ovarian cancer syndrome (HBOC); Hereditary breast and/or ovarian cancer syndrome; Hereditary breast and ovarian cancer; Breast and ovarian cancer; BRCA1- and BRCA2-Associated Hereditary Breast and Ovarian Cancer. Identifiers: Orphanet 145, MedGen C0677776, MeSH D061325, MONDO:0003582. Disease mechanism: loss of function.

Submission:

Women's Health and Genetics/Laboratory Corporation of America, LabCorp
Classification: Likely pathogenic for Hereditary breast and ovarian cancer syndrome. Last evaluated: 2019-05-22. Review status: criteria provided, single submitter. Criteria: LabCorp Variant Classification Summary - May 2015. Collection method: clinical testing. Allele origin: germline.
Comment: Variant summary: BRCA2 c.6226delG (p.Val2076LeufsX5) results in a premature termination codon, predicted to cause a truncation of the encoded protein or absence of the protein due to nonsense mediated decay, which are commonly known mechanisms for disease. Truncations downstream of this position have been classified as pathogenic by our laboratory (eg. c.6267_6269delinsC, p.Glu2089fsX2; c.6373dupA, p.Thr2125fsX4; c.6468_6469delTC, p.Gln2157fsX18). The variant was absent in 249130 control chromosomes (gnomAD). To our knowledge, no occurrence of c.6226delG in individuals affected with Hereditary Breast and Ovarian Cancer and no experimental evidence demonstrating its impact on protein function have been reported. No clinical diagnostic laboratories have submitted clinical-significance assessments for this variant to ClinVar after 2014. Based on the evidence outlined above, the variant was classified as likely pathogenic.

NM_000059.4(BRCA2):c.6226del (p.Val2076fs)

Gene: BRCA2 (BRCA2 DNA repair associated; plus strand). Cytogenetic location: 13q13.1.
Variant type: Deletion.
Coding change: c.6226del on transcript NM_000059.4 (MANE Select); coding-DNA position 6226, one base deleted (G; older notation c.6226delG).
Protein change: p.Val2076fs; shifts the reading frame from valine 2076.
Molecular consequence: frameshift variant.
Genome position (GRCh38, 1-based): chr13:32,340,581, G deleted. VCF-style (leftmost placement, unchanged base first): chr13-32340580-AG-A. GRCh37 (hg19) VCF-style: chr13-32914717-AG-A.
Other names: short protein forms V2076fs.
Identifiers: ClinVar variation 929228 (VCV000929228.1), dbSNP rs2072549559, ClinGen allele CA1139663233.